The following is an entry in ClinVar:

NM_000264.5(PTCH1):c.1624A>C (p.Lys542Gln)

Gene: PTCH1 (patched 1; minus strand). Cytogenetic location: 9q22.32.
Variant type: single nucleotide variant.
Coding change: c.1624A>C on transcript NM_000264.5 (MANE Select); coding-DNA position 1624, A replaced by C.
Protein change: p.Lys542Gln; replaces lysine 542 with glutamine.
Molecular consequence: missense variant. On other transcripts: non-coding transcript variant (1).
Genome position (GRCh38, 1-based): chr9:95,476,138, T>G on the plus strand (A>C on the coding strand, the complement: PTCH1 is on the minus strand). VCF-style: chr9-95476138-T-G. GRCh37 (hg19) VCF-style: chr9-98238420-T-G.
Other names: c.1171A>C, p.Lys391Gln (NM_001083604.3, NM_001083605.3, NM_001083606.3 and 1 more transcripts); c.1468A>C, p.Lys490Gln (NM_001354918.2); c.1426A>C, p.Lys476Gln (NM_001083602.3); c.1621A>C, p.Lys541Gln (NM_001083603.3); short protein forms K391Q, K476Q, K541Q, K490Q, K542Q.
Identifiers: ClinVar variation 3020606 (VCV003020606.3), dbSNP rs2118259496, ClinGen allele CA374118082.

ClinVar aggregate classification (germline): Uncertain significance (1 of 4 stars; one submission).

Conditions:
Gorlin syndrome. Also called: Nevoid Basal Cell Carcinoma Syndrome; Basal cell nevus syndrome. Identifiers: Orphanet 377, MedGen C0004779, MONDO:0007187.

Submission:

Labcorp Genetics (formerly Invitae), Labcorp
Classification: Uncertain significance for Gorlin syndrome. Last evaluated: 2023-06-16. Review status: criteria provided, single submitter. Criteria: Invitae Variant Classification Sherloc (09022015). Collection method: clinical testing. Allele origin: germline.
Comment: This sequence change replaces lysine, which is basic and polar, with glutamine, which is neutral and polar, at codon 542 of the PTCH1 protein (p.Lys542Gln). This variant is not present in population databases (gnomAD no frequency). This variant has not been reported in the literature in individuals affected with PTCH1-related conditions. In summary, the available evidence is currently insufficient to determine the role of this variant in disease. Therefore, it has been classified as a Variant of Uncertain Significance. Advanced modeling of protein sequence and biophysical properties (such as structural, functional, and spatial information, amino acid conservation, physicochemical variation, residue mobility, and thermodynamic stability) performed at Invitae indicates that this missense variant is not expected to disrupt PTCH1 protein function.